The following is an entry in ClinVar:

NM_017777.4(MKS1):c.632G>A (p.Gly211Glu)

Gene: MKS1 (MKS transition zone complex subunit 1; minus strand). Cytogenetic location: 17q22.
Variant type: single nucleotide variant.
Coding change: c.632G>A on transcript NM_017777.4 (MANE Select); coding-DNA position 632, G replaced by A.
Protein change: p.Gly211Glu; replaces glycine 211 with glutamic acid.
Molecular consequence: missense variant.
Genome position (GRCh38, 1-based): chr17:58,214,271, C>T on the plus strand (G>A on the coding strand, the complement: MKS1 is on the minus strand). VCF-style: chr17-58214271-C-T. GRCh37 (hg19) VCF-style: chr17-56291632-C-T.
Other names: c.23G>A, p.Gly8Glu (NM_001321268.2); c.632G>A, p.Gly211Glu (NM_001321269.2, NM_001330397.2, NM_001411113.1); short protein forms G211E, G8E.
Identifiers: ClinVar variation 2146846 (VCV002146846.1), dbSNP rs1022156989, ClinGen allele CA292013546.

ClinVar aggregate classification (germline): Uncertain significance (1 of 4 stars; one submission).

Conditions:
Joubert syndrome. Also called: CEREBELLOPARENCHYMAL DISORDER IV; JOUBERT-BOLTSHAUSER SYNDROME; Familial aplasia of the vermis. Identifiers: Orphanet 475, MedGen C5979921, MONDO:0018772.
Meckel-Gruber syndrome. Also called: DYSENCEPHALIA SPLANCHNOCYSTICA; GRUBER SYNDROME; Dysencephalia splachnocystica. Identifiers: Orphanet 564, MedGen C0265215, MONDO:0018921.

Allele frequency attached by ClinVar (database versions not stated): gnomAD 0.00001; TOPMed 0.00001.

Submission:

Labcorp Genetics (formerly Invitae), Labcorp
Classification: Uncertain significance for Joubert syndrome; Meckel-Gruber syndrome. Last evaluated: 2022-08-16. Review status: criteria provided, single submitter. Criteria: Invitae Variant Classification Sherloc (09022015). Collection method: clinical testing. Allele origin: germline.
Comment: This sequence change replaces glycine, which is neutral and non-polar, with glutamic acid, which is acidic and polar, at codon 211 of the MKS1 protein (p.Gly211Glu). This variant is not present in population databases (gnomAD no frequency). This variant has not been reported in the literature in individuals affected with MKS1-related conditions. Advanced modeling of protein sequence and biophysical properties (such as structural, functional, and spatial information, amino acid conservation, physicochemical variation, residue mobility, and thermodynamic stability) performed at Invitae indicates that this missense variant is expected to disrupt MKS1 protein function. In summary, the available evidence is currently insufficient to determine the role of this variant in disease. Therefore, it has been classified as a Variant of Uncertain Significance.